The following is an entry in ClinVar:

NM_000540.3(RYR1):c.8149G>A (p.Ala2717Thr)

Gene: RYR1 (ryanodine receptor 1; plus strand). Cytogenetic location: 19q13.2.
Variant type: single nucleotide variant.
Coding change: c.8149G>A on transcript NM_000540.3 (MANE Select); coding-DNA position 8149, G replaced by A.
Protein change: p.Ala2717Thr; replaces alanine 2717 with threonine.
Molecular consequence: missense variant.
Genome position (GRCh38, 1-based): chr19:38,504,829, G>A. VCF-style: chr19-38504829-G-A. GRCh37 (hg19) VCF-style: chr19-38995469-G-A.
Other names: c.8149G>A, p.Ala2717Thr (NM_001042723.2); short protein forms A2717T.
Identifiers: ClinVar variation 3385467 (VCV003385467.1).

ClinVar aggregate classification (germline): Uncertain significance (1 of 4 stars; one submission).

Conditions:
Malignant hyperthermia, susceptibility to, 1 (MHS1). Also called: Anesthesia related hyperthermia; Malignant hyperpyrexia; Fulminating hyperpyrexia; Pharmacogenic myopathy; Malignant hyperthermia suceptibility 1; RYR1-Related Malignant Hyperthermia Susceptibility. Identifiers: Orphanet 423, MedGen C2930980, MONDO:0007783, OMIM 145600.

gnomAD v4.1: 8 of 1,613,956 alleles (0.0005%); highest among the groups gnomAD compares: Non-Finnish European, 0.00059%; no homozygotes.

Submission:

All of Us Research Program, National Institutes of Health
Classification: Uncertain significance for Malignant hyperthermia, susceptibility to, 1. Last evaluated: 2024-04-16. Review status: criteria provided, single submitter. Criteria: ACMG Guidelines, 2015. Collection method: clinical testing. Allele origin: germline. Inheritance: Autosomal dominant inheritance. Observed: 1 variant allele, 1 heterozygote.
Comment: This missense variant replaces alanine with threonine at codon 2717 of the RYR1 protein. Computational prediction suggests that this variant may not impact protein structure and function (internally defined REVEL score threshold <= 0.5, PMID: 27666373). To our knowledge, functional studies have not been reported for this variant. This variant has not been reported in individuals affected with RYR1-related disorders in the literature. This variant has not been identified in the general population by the Genome Aggregation Database (gnomAD). The available evidence is insufficient to determine the role of this variant in disease conclusively. Therefore, this variant is classified as a Variant of Uncertain Significance.

This study involves interpretation of variants in research participants for the purpose of population health screening. Participant phenotype was not available at the time of variant classification. Additional details can be found in publication PMID: 35346344, PMCID: PMC8962531